The following is an entry in ClinVar:

NM_024867.4(SPEF2):c.1944A>G (p.Val648=)

Gene: SPEF2 (sperm flagellar and cilia associated 2; plus strand). Cytogenetic location: 5p13.2.
Variant type: single nucleotide variant.
Coding change: c.1944A>G on transcript NM_024867.4 (MANE Select); coding-DNA position 1944, A replaced by G.
Protein change: p.Val648=; no amino-acid change (valine 648 retained).
Molecular consequence: synonymous variant.
Genome position (GRCh38, 1-based): chr5:35,694,332, A>G. VCF-style: chr5-35694332-A-G. GRCh37 (hg19) VCF-style: chr5-35694434-A-G.
Identifiers: ClinVar variation 4280937 (VCV004280937.7).

ClinVar aggregate classification (germline): Likely benign (1 of 4 stars; one submission).

gnomAD v4.1: 53 of 1,613,410 alleles (0.0033%); highest among the groups gnomAD compares: Non-Finnish European, 0.0042%; no homozygotes.

Submission:

CeGaT Center for Human Genetics Tuebingen
Classification: Likely benign. Last evaluated: 2026-03-01. Review status: criteria provided, single submitter. Criteria: CeGaT Center For Human Genetics Tuebingen Variant Classification Criteria Version 2. Collection method: clinical testing. Allele origin: germline. Affected: yes. Observed: 2 variant alleles.
Comment: SPEF2: BP4, BP7